The following is an entry in ClinVar:

NM_004725.4(BUB3):c.560C>G (p.Ala187Gly)

Gene: BUB3 (BUB3 mitotic checkpoint protein; plus strand). Cytogenetic location: 10q26.13.
Variant type: single nucleotide variant.
Coding change: c.560C>G on transcript NM_004725.4 (MANE Select); coding-DNA position 560, C replaced by G.
Protein change: p.Ala187Gly; replaces alanine 187 with glycine.
Molecular consequence: missense variant.
Genome position (GRCh38, 1-based): chr10:123,160,549, C>G. VCF-style: chr10-123160549-C-G. GRCh37 (hg19) VCF-style: chr10-124920065-C-G.
Other names: c.560C>G, p.Ala187Gly (NM_001007793.3); short protein forms A187G.
Identifiers: ClinVar variation 3483278 (VCV003483278.1).

ClinVar aggregate classification (germline): Uncertain significance (1 of 4 stars; one submission).

Submission:

Ambry Genetics
Classification: Uncertain significance. Last evaluated: 2024-07-26. Review status: criteria provided, single submitter. Criteria: Ambry Variant Classification Scheme 2023. Collection method: clinical testing. Allele origin: germline.
Comment: The p.A187G variant (also known as c.560C>G), located in coding exon 4 of the BUB3 gene, results from a C to G substitution at nucleotide position 560. The alanine at codon 187 is replaced by glycine, an amino acid with similar properties. This amino acid position is conserved. In addition, the in silico prediction for this alteration is inconclusive. Based on the available evidence, the clinical significance of this variant remains unclear.